The following is an entry in ClinVar:

ClinVar aggregate classification (germline): Conflicting classifications of pathogenicity. Review status: criteria provided, conflicting classifications (1 of 4 stars). 4 submissions from 4 submitters: Uncertain significance (3); Benign (1). Last evaluated 2025-06-12.

Conditions:
Inborn genetic diseases. Identifiers: MedGen C0950123, MeSH D030342.
COL6A3-related disorder. Also called: COL6A3-related disorders; COL6A3-related condition.
Bethlem myopathy 1A. Also called: MYOPATHY, BENIGN CONGENITAL, WITH CONTRACTURES; Bethlem myopathy 1; Bethlem Muscular Dystrophy. Identifiers: Orphanet 610, MedGen CN029274, MONDO:0024530, OMIM 158810.

Allele frequency attached by ClinVar (database versions not stated): ExAC 0.00003; gnomAD exomes 0.00004; TOPMed 0.00006; gnomAD 0.00007.
gnomAD v4.1: 151 of 1,613,814 alleles (0.0094%); highest among the groups gnomAD compares: Non-Finnish European, 0.012%; no homozygotes.

Submissions (4):

Ambry Genetics
Classification: Uncertain significance for Inborn genetic diseases. Last evaluated: 2025-06-12. Review status: criteria provided, single submitter. Criteria: Ambry Variant Classification Scheme 2023. Collection method: clinical testing. Allele origin: germline.

Labcorp Genetics (formerly Invitae), Labcorp
Classification: Benign for Bethlem myopathy 1A. Last evaluated: 2025-03-31. Review status: criteria provided, single submitter. Criteria: Invitae Variant Classification Sherloc (09022015). Collection method: clinical testing. Allele origin: germline.

PreventionGenetics, part of Exact Sciences
Classification: Uncertain significance for COL6A3-related condition. Last evaluated: 2023-01-10. Review status: criteria provided, single submitter. Criteria: ACMG Guidelines, 2015. Collection method: clinical testing. Allele origin: germline.
Comment: The COL6A3 c.5544C>A variant is predicted to result in the amino acid substitution p.Asp1848Glu. To our knowledge, this variant has not been reported in the literature. This variant is reported in 0.0081% of alleles in individuals of African descent in gnomAD. At this time, the clinical significance of this variant is uncertain due to the absence of conclusive functional and genetic evidence.

Revvity Omics, Revvity
Classification: Uncertain significance. Last evaluated: 2019-09-09. Review status: criteria provided, single submitter. Criteria: ACMG Guidelines, 2015. Collection method: clinical testing. Allele origin: germline.

NM_004369.4(COL6A3):c.5544C>A (p.Asp1848Glu)

Gene: COL6A3 (collagen type VI alpha 3 chain; minus strand). Cytogenetic location: 2q37.3.
Variant type: single nucleotide variant.
Coding change: c.5544C>A on transcript NM_004369.4 (MANE Select); coding-DNA position 5544, C replaced by A.
Protein change: p.Asp1848Glu; replaces aspartic acid 1848 with glutamic acid.
Molecular consequence: missense variant.
Genome position (GRCh38, 1-based): chr2:237,365,992, G>T on the plus strand (C>A on the coding strand, the complement: COL6A3 is on the minus strand). VCF-style: chr2-237365992-G-T. GRCh37 (hg19) VCF-style: chr2-238274635-G-T.
Other names: c.3723C>A, p.Asp1241Glu (NM_057166.5); c.4926C>A, p.Asp1642Glu (NM_057167.4); short protein forms D1642E, D1848E, D1241E.
Identifiers: ClinVar variation 858093 (VCV000858093.13), dbSNP rs531282669, ClinGen allele CA2188634.
Genomic context (GRCh38, chr2:237,365,992, plus strand): 5'-TCTGTTCAAGATGGCGTCCACCTTGGACTCGAAGCCCTTCTGGGCCACAAAAACATTCTG[G>T]TCTCTAGAACCATCAAACCCCAGAATCACATCCAGATTACAAGCTGGAAAGGAGAAATGC-3'
Protein context (NP_004360.2, residues 1838-1858): DVILGFDGSR[Asp1848Glu]QNVFVAQKGF